The following is an entry in ClinVar:

ClinVar aggregate classification (germline): Conflicting classifications of pathogenicity. Review status: criteria provided, conflicting classifications (1 of 4 stars). 4 submissions from 4 submitters: Uncertain significance (3); Likely benign (1). Last evaluated 2025-02-26.

Conditions:
Cardiovascular phenotype. Identifiers: MedGen CN230736.
Hereditary cancer-predisposing syndrome. Also called: Tumor predisposition; Neoplastic Syndromes, Hereditary; Hereditary Cancer Syndrome; Hereditary neoplastic syndrome. Identifiers: Orphanet 140162, MedGen C0027672, MeSH D009386, MONDO:0015356.
Neurofibromatosis, type 1 (NF1). Also called: NEUROFIBROMATOSIS, TYPE I, SOMATIC; VON RECKLINGHAUSEN DISEASE; Neurofibromatosis, type I; Peripheral type neurofibromatosis. Identifiers: Orphanet 636, MedGen C0027831, MONDO:0018975, OMIM 162200. Disease mechanism: loss of function.

Allele frequency attached by ClinVar (database versions not stated): TOPMed below 0.00001.
gnomAD v4.1: 1 of 1,613,166 alleles (0.000062%); no homozygotes.

Submissions (4):

Labcorp Genetics (formerly Invitae), Labcorp
Classification: Likely benign for Neurofibromatosis, type 1. Last evaluated: 2025-02-26. Review status: criteria provided, single submitter. Criteria: Invitae Variant Classification Sherloc (09022015). Collection method: clinical testing. Allele origin: germline.

Ambry Genetics
Classification: Uncertain significance for Cardiovascular phenotype; Hereditary cancer-predisposing syndrome. Last evaluated: 2024-08-19. Review status: criteria provided, single submitter. Criteria: Ambry Variant Classification Scheme 2023. Collection method: clinical testing. Allele origin: germline.
Comment: The c.2002-5C>G intronic variant results from a C to G substitution 5 nucleotides upstream from coding exon 18 in the NF1 gene. This nucleotide position is not well conserved in available vertebrate species. In silico splice site analysis predicts that this alteration will not have any significant effect on splicing. Based on the available evidence, the clinical significance of this variant remains unclear.

Genome-Nilou Lab
Classification: Uncertain significance for Neurofibromatosis, type 1. Last evaluated: 2022-03-15. Review status: criteria provided, single submitter. Criteria: ACMG Guidelines, 2015. Collection method: clinical testing. Allele origin: germline. Affected: no.

Sema4
Classification: Uncertain significance for Hereditary cancer-predisposing syndrome. Last evaluated: 2022-02-05. Review status: criteria provided, single submitter. Criteria: Sema4 Curation Guidelines. Collection method: curation. Allele origin: germline.
Comment: The NF1 c.2002-5C>G variant has not been reported in the literature to our knowledge. It was not observed in the large and broad cohorts of the Genome Aggregation Database (PMID: 32461654). This variant has been reported in ClinVar (Variation ID: 485604). Predictions by in silico tools suggest no effect on splicing, though these predictions have not been confirmed by functional studies. The evidence is insufficient to meet ACMG/AMP criteria for classifying the variant as benign or pathogenic. Thus, the clinical significance of this variant is currently uncertain.

NM_001042492.3(NF1):c.2002-5C>G

Gene: NF1 (neurofibromin 1; plus strand). Cytogenetic location: 17q11.2.
Variant type: single nucleotide variant.
Coding change: c.2002-5C>G on transcript NM_001042492.3 (MANE Select); 5 bases into the intron before coding-DNA position 2002, C replaced by G.
Molecular consequence: intron variant.
Genome position (GRCh38, 1-based): chr17:31,226,430, C>G. VCF-style: chr17-31226430-C-G. GRCh37 (hg19) VCF-style: chr17-29553448-C-G.
Other names: c.2002-5C>G (NM_000267.4).
Identifiers: ClinVar variation 485953 (VCV000485953.15), dbSNP rs1165625614, ClinGen allele CA658656601.